The following is an entry in ClinVar:

ClinVar aggregate classification (germline): Uncertain significance (1 of 4 stars; one submission).

Conditions:
Hereditary cancer-predisposing syndrome. Also called: Neoplastic Syndromes, Hereditary; Tumor predisposition; Hereditary Cancer Syndrome; Hereditary neoplastic syndrome. Identifiers: Orphanet 140162, MedGen C0027672, MeSH D009386, MONDO:0015356.

Submission:

Ambry Genetics
Classification: Uncertain significance for Hereditary cancer-predisposing syndrome. Last evaluated: 2025-12-23. Review status: criteria provided, single submitter. Criteria: Ambry Variant Classification Scheme 2023. Collection method: clinical testing. Allele origin: germline.
Comment: The p.V1281A variant (also known as c.3842T>C), located in coding exon 19 of the BLM gene, results from a T to C substitution at nucleotide position 3842. The valine at codon 1281 is replaced by alanine, an amino acid with similar properties. This amino acid position is conserved. In addition, this alteration is predicted to be tolerated by in silico analysis. Based on the available evidence, the clinical significance of this variant remains unclear.

NM_000057.4(BLM):c.3842T>C (p.Val1281Ala)

Gene: BLM (BLM RecQ like helicase; plus strand). Cytogenetic location: 15q26.1.
Variant type: single nucleotide variant.
Coding change: c.3842T>C on transcript NM_000057.4 (MANE Select); coding-DNA position 3842, T replaced by C.
Protein change: p.Val1281Ala; replaces valine 1281 with alanine.
Molecular consequence: missense variant.
Genome position (GRCh38, 1-based): chr15:90,809,227, T>C. VCF-style: chr15-90809227-T-C. GRCh37 (hg19) VCF-style: chr15-91352457-T-C.
Other names: c.3842T>C, p.Val1281Ala (NM_001287246.2); c.3449T>C, p.Val1150Ala (NM_001287247.2); c.2717T>C, p.Val906Ala (NM_001287248.2); short protein forms V1281A, V906A, V1150A.
Identifiers: ClinVar variation 4843394 (VCV004843394.1).